The following is an entry in ClinVar:

ClinVar aggregate classification (germline): Uncertain significance. Review status: criteria provided, multiple submitters, no conflicts (2 of 4 stars). 2 submissions from 2 submitters: Uncertain significance (2). Last evaluated 2025-07-30.

Conditions:
Primary dilated cardiomyopathy (DCM). Also called: Dilated Cardiomyopathy. Identifiers: Orphanet 217604, MedGen C0007193, MeSH D002311, MONDO:0005021, HP:0001644. Inheritance: Various modes of inheritance.
Hypertrophic cardiomyopathy. Also called: HYPERTROPHIC MYOCARDIOPATHY. Identifiers: Orphanet 217569, MedGen C0007194, MeSH D002312, MONDO:0005045, HP:0001639.

Allele frequency attached by ClinVar (database versions not stated): TOPMed 0.00004; gnomAD exomes 0.00001 and 0.00006; gnomAD 0.00001; ExAC 0.00007.
gnomAD v4.1: 13 of 1,614,120 alleles (0.00081%); highest among the groups gnomAD compares: East Asian, 0.02%; no homozygotes.

Submissions (2):

Labcorp Genetics (formerly Invitae), Labcorp
Classification: Uncertain significance for Hypertrophic cardiomyopathy; Primary dilated cardiomyopathy. Last evaluated: 2025-07-30. Review status: criteria provided, single submitter. Criteria: Invitae Variant Classification Sherloc (09022015). Collection method: clinical testing. Allele origin: germline.
Comment: This sequence change replaces threonine, which is neutral and polar, with methionine, which is neutral and non-polar, at codon 357 of the PDLIM3 protein (p.Thr357Met). This variant is present in population databases (rs775841507, gnomAD 0.06%), and has an allele count higher than expected for a pathogenic variant. This variant has not been reported in the literature in individuals affected with PDLIM3-related conditions. ClinVar contains an entry for this variant (Variation ID: 1360818). An algorithm developed to predict the effect of missense changes on protein structure and function outputs the following: PolyPhen-2: "Benign". The methionine amino acid residue is found in multiple mammalian species, which suggests that this missense change does not adversely affect protein function. In summary, the available evidence is currently insufficient to determine the role of this variant in disease. Therefore, it has been classified as a Variant of Uncertain Significance.

Ambry Genetics
Classification: Uncertain significance. Last evaluated: 2024-12-28. Review status: criteria provided, single submitter. Criteria: Ambry Variant Classification Scheme 2023. Collection method: clinical testing. Allele origin: germline.
Comment: The p.T357M variant (also known as c.1070C>T), located in coding exon 8 of the PDLIM3 gene, results from a C to T substitution at nucleotide position 1070. The threonine at codon 357 is replaced by methionine, an amino acid with similar properties. This amino acid position is conserved. In addition, this alteration is predicted to be tolerated by in silico analysis. Since supporting evidence is limited at this time, the clinical significance of this alteration remains unclear.

NM_014476.6(PDLIM3):c.1070C>T (p.Thr357Met)

Gene: PDLIM3 (PDZ and LIM domain 3; minus strand). Cytogenetic location: 4q35.1.
Variant type: single nucleotide variant.
Coding change: c.1070C>T on transcript NM_014476.6 (MANE Select); coding-DNA position 1070, C replaced by T.
Protein change: p.Thr357Met; replaces threonine 357 with methionine.
Molecular consequence: missense variant. On other transcripts: non-coding transcript variant (1).
Genome position (GRCh38, 1-based): chr4:185,502,319, G>A on the plus strand (C>T on the coding strand, the complement: PDLIM3 is on the minus strand). VCF-style: chr4-185502319-G-A. GRCh37 (hg19) VCF-style: chr4-186423473-G-A.
Other names: c.926C>T, p.Thr309Met (NM_001114107.5); c.806C>T, p.Thr269Met (NM_001257962.2); c.569C>T, p.Thr190Met (NM_001257963.2); short protein forms T269M, T357M, T190M, T309M.
Identifiers: ClinVar variation 1360818 (VCV001360818.11), dbSNP rs775841507, ClinGen allele CA3159594.